The following is an entry in ClinVar:

NM_000218.3(KCNQ1):c.1394-13971G>A

Genes: KCNQ1 (potassium voltage-gated channel subfamily Q member 1; plus strand), KCNQ1OT1 (KCNQ1 opposite strand/antisense transcript 1; minus strand). Cytogenetic location: 11p15.5.
Variant type: single nucleotide variant.
Coding change: c.1394-13971G>A on transcript NM_000218.3 (MANE Select); 13971 bases into the intron before coding-DNA position 1394, G replaced by A.
Molecular consequence: intron variant. On other transcripts: non-coding transcript variant (1).
Genome position (GRCh38, 1-based): chr11:2,647,990, G>A. VCF-style: chr11-2647990-G-A. GRCh37 (hg19) VCF-style: chr11-2669220-G-A.
Other names: c.1394-13971G>A (NM_000218.2); c.1124-13971G>A (NM_001406837.1); c.1298-13971G>A (NM_001406836.1); c.854-13971G>A (NM_001406838.1); c.1013-13971G>A (NM_181798.2).
Identifiers: ClinVar variation 2672445 (VCV002672445.24), dbSNP rs531016515, ClinGen allele CA216160378.

ClinVar aggregate classification (germline): Benign. Review status: criteria provided, single submitter (1 of 4 stars). 2 submissions from 2 submitters: Benign (1). 1 of the submissions does not count toward it. Last evaluated 2025-02-01.

Conditions:
KCNQ1-related disorder. Also called: KCNQ1-related disorders; KCNQ1-related condition. Identifiers: MedGen CN239322.

Allele frequency attached by ClinVar (database versions not stated): gnomAD exomes 0.00048; TOPMed 0.00165; gnomAD 0.00169; 1000 Genomes Project 30x 0.00234; 1000 Genomes Project 0.00240.
gnomAD v4.1: 374 of 396,910 alleles (0.094%); highest among the groups gnomAD compares: African/African-American, 0.53%; 2 homozygotes.

Submissions (2):

CeGaT Center for Human Genetics Tuebingen
Classification: Benign. Last evaluated: 2025-02-01. Review status: criteria provided, single submitter. Criteria: CeGaT Center For Human Genetics Tuebingen Variant Classification Criteria Version 2. Collection method: clinical testing. Allele origin: germline. Affected: yes. Observed: 2 variant alleles.
Comment: KCNQ1OT1: BS1, BS2

PreventionGenetics, part of Exact Sciences
Classification: Likely benign for KCNQ1-related condition. Last evaluated: 2022-09-30. Review status: no assertion criteria provided. Collection method: clinical testing. Allele origin: germline. Not counted in ClinVar's aggregate classification.
Comment: This variant is classified as likely benign based on ACMG/AMP sequence variant interpretation guidelines (Richards et al. 2015 PMID: 25741868, with internal and published modifications).